The following is an entry in ClinVar:

ClinVar aggregate classification (germline): Uncertain significance (1 of 4 stars; one submission).

gnomAD v4.1: 1 of 1,610,994 alleles (0.000062%); highest among the groups gnomAD compares: African/African-American, 0.0013%; no homozygotes.

Submission:

Labcorp Genetics (formerly Invitae), Labcorp
Classification: Uncertain significance. Last evaluated: 2025-11-13. Review status: criteria provided, single submitter. Criteria: Invitae Variant Classification Sherloc (09022015). Collection method: clinical testing. Allele origin: germline.
Comment: This sequence change replaces histidine, which is basic and polar, with tyrosine, which is neutral and polar, at codon 3215 of the SPEG protein (p.His3215Tyr). This variant is not present in population databases (gnomAD no frequency). This variant has not been reported in the literature in individuals affected with SPEG-related conditions. An algorithm developed to predict the effect of missense changes on protein structure and function (PolyPhen-2) suggests that this variant is likely to be disruptive. In summary, the available evidence is currently insufficient to determine the role of this variant in disease. Therefore, it has been classified as a Variant of Uncertain Significance.

NM_005876.5(SPEG):c.9643C>T (p.His3215Tyr)

Genes: ASIC4-AS1 (ASIC4 antisense RNA 1; minus strand), SPEG (striated muscle enriched protein kinase; plus strand). Cytogenetic location: 2q35.
Variant type: single nucleotide variant.
Coding change: c.9643C>T on transcript NM_005876.5 (MANE Select); coding-DNA position 9643, C replaced by T.
Protein change: p.His3215Tyr; replaces histidine 3215 with tyrosine.
Molecular consequence: missense variant.
Genome position (GRCh38, 1-based): chr2:219,492,625, C>T. VCF-style: chr2-219492625-C-T. GRCh37 (hg19) VCF-style: chr2-220357347-C-T.
Other names: short protein forms H3215Y.
Identifiers: ClinVar variation 4693787 (VCV004693787.1).
Genomic context (GRCh38, chr2:219,492,625, plus strand): 5'-GGTTCATCATCCCTGGCTCTGCCTGGCAGGAGCCGGCCCTCCCTGCAGGACTGCCTGGCC[C>T]ACCCATGGTTGCAGGACGCCTACCTGATGAAGCTGCGCCGCCAGACGCTCACCTTCACCA-3'
Protein context (NP_005867.3, residues 3205-3225): SRPSLQDCLA[His3215Tyr]PWLQDAYLMK